The following is an entry in ClinVar:

ClinVar aggregate classification (germline): Uncertain significance. Review status: criteria provided, multiple submitters, no conflicts (2 of 4 stars). 2 submissions from 2 submitters: Uncertain significance (2). Last evaluated 2023-06-05.

Conditions:
Hereditary cancer-predisposing syndrome. Also called: Hereditary Cancer Syndrome; Tumor predisposition; Hereditary neoplastic syndrome; Neoplastic Syndromes, Hereditary. Identifiers: Orphanet 140162, MedGen C0027672, MeSH D009386, MONDO:0015356.
Oligodontia-cancer predisposition syndrome. Also called: TOOTH AGENESIS-COLORECTAL CANCER SYNDROME. Identifiers: Orphanet 300576, MedGen C1837750, MONDO:0012075, OMIM 608615. Disease mechanism: loss of function.

Allele frequency attached by ClinVar (database versions not stated): TOPMed 0.00001.

Submissions (2):

Labcorp Genetics (formerly Invitae), Labcorp
Classification: Uncertain significance for Oligodontia-cancer predisposition syndrome. Last evaluated: 2023-06-05. Review status: criteria provided, single submitter. Criteria: Invitae Variant Classification Sherloc (09022015). Collection method: clinical testing. Allele origin: germline.
Comment: This sequence change affects the initiator methionine of the AXIN2 mRNA. The next in-frame methionine is located at codon 5. This variant has not been reported in the literature in individuals affected with AXIN2-related conditions. ClinVar contains an entry for this variant (Variation ID: 1047795). This variant is not present in population databases (gnomAD no frequency). In summary, the available evidence is currently insufficient to determine the role of this variant in disease. Therefore, it has been classified as a Variant of Uncertain Significance. Experimental studies and prediction algorithms are not available or were not evaluated, and the functional significance of this variant is currently unknown.

Ambry Genetics
Classification: Uncertain significance for Hereditary cancer-predisposing syndrome. Last evaluated: 2022-04-18. Review status: criteria provided, single submitter. Criteria: Ambry Variant Classification Scheme 2023. Collection method: clinical testing. Allele origin: germline.
Comment: The p.M1? variant (also known as c.2_10delTGAGTAGCG) is located in coding exon 1 of the AXIN2 gene and results from an in-frame TGAGTAGCG deletion at nucleotide positions 2 to 10. This removes the methionine residue at the initiation codon (ATG). Variations that modify the initiation codon (ATG) are expected to result in either loss of translation initiation, N-terminal truncation, or cause a shift in the mRNA reading frame; however, there is an alternate in-frame methionine 4 amino acids from the initiation site, which may result in N-terminal truncation of unknown significance. Since supporting evidence is limited at this time, the clinical significance of this alteration remains unclear.

NM_004655.4(AXIN2):c.2_10del (p.Met1_Ala4delinsThr)

Gene: AXIN2 (axin 2; minus strand). Cytogenetic location: 17q24.1.
Variant type: Deletion.
Coding change: c.2_10del on transcript NM_004655.4 (MANE Select); coding-DNA positions 2 to 10, 9 bases deleted (TGAGTAGCG; older notation c.2_10delTGAGTAGCG).
Protein change: p.Met1_Ala4delinsThr.
Molecular consequence: initiator codon variant.
Genome position (GRCh38, 1-based): chr17:65,558,611-65,558,619, CGCTACTCA deleted on the plus strand (TGAGTAGCG on the coding strand, the reverse complement: AXIN2 is on the minus strand). VCF-style (leftmost placement, unchanged base first): chr17-65558610-GCGCTACTCA-G. GRCh37 (hg19) VCF-style: chr17-63554728-GCGCTACTCA-G.
Other names: c.2_10del, p.Met1_Ala4delinsThr (NM_001363813.1).
Identifiers: ClinVar variation 1047795 (VCV001047795.9), dbSNP rs2044313260, ClinGen allele CA2270894570.